The following is an entry in ClinVar:

NM_000426.4(LAMA2):c.5235-8G>A

Gene: LAMA2 (laminin subunit alpha 2; plus strand). Cytogenetic location: 6q22.33.
Variant type: single nucleotide variant.
Coding change: c.5235-8G>A on transcript NM_000426.4 (MANE Select); 8 bases into the intron before coding-DNA position 5235, G replaced by A.
Molecular consequence: intron variant.
Genome position (GRCh38, 1-based): chr6:129,393,037, G>A. VCF-style: chr6-129393037-G-A. GRCh37 (hg19) VCF-style: chr6-129714182-G-A.
Other names: c.5235-8G>A (NM_001079823.2).
Identifiers: ClinVar variation 510600 (VCV000510600.1), dbSNP rs1554287355, ClinGen allele CA658796825.

ClinVar aggregate classification (germline): Likely benign (1 of 4 stars; one submission).

Submission:

GeneDx
Classification: Likely benign. Last evaluated: 2017-07-20. Review status: criteria provided, single submitter. Criteria: GeneDx Variant Classification (06012015). Collection method: clinical testing. Allele origin: germline. Affected: yes.
Comment: This variant is considered likely benign or benign based on one or more of the following criteria: it is a conservative change, it occurs at a poorly conserved position in the protein, it is predicted to be benign by multiple in silico algorithms, and/or has population frequency not consistent with disease.